The following is an entry in ClinVar:

ClinVar aggregate classification (germline): drug response (0 of 4 stars; one submission).
ClinVar aggregate classification (somatic clinical impact): Tier I - Strong (1 of 4 stars; one submission).

Conditions:
Tyrosine kinase inhibitor response. Also called: Protein-tyrosine kinase inhibitor response. Identifiers: MedGen CN225347.
Diffuse midline glioma, H3 K27M-mutant. Identifiers: MedGen C4289688, MONDO:0957196.

Submissions (2):

Institute for Genomic Medicine (IGM) Clinical Laboratory, Nationwide Children's Hospital
Classification: Tier I - Strong for Diffuse midline glioma, H3 K27M-mutant. Assertion type: diagnostic. Clinical significance: supports diagnosis. Last evaluated: 2024-12-24. Review status: criteria provided, single submitter. Criteria: AMP/ASCO/CAP Guidelines, 2017. Collection method: clinical testing. Allele origin: somatic. Affected: yes.
Comment: Variant has Tier I (strong) clinical significance as a diagnostic inclusion criterion in diffuse midline glioma, H3 K27M-mutant, based on the following evidence: 1) Documented in one or more cancer databases (e.g., St. Jude Pecan, COSMIC, CIViC, OncoKB). 2) Appears in one or more well-established professional guidelines (e.g., World Health Organization [WHO]; National Comprehensive Cancer Network [NCCN]) as providing diagnostic, prognostic, or therapeutic information. 3) Information in the literature supports potential biologic effect of variant (PMIDs: 18676761, 15897572, 17686547, 24353160, 19536777, 23371856, 21764376). 4) Diagnostic for a specific tumor type/classification according to professional guidelines (Evidence Level A).

Laboratory for Molecular Medicine, Mass General Brigham Personalized Medicine
Classification: drug response for Tyrosine kinase inhibitor response. Last evaluated: 2010-02-24. Review status: no assertion criteria provided. Collection method: clinical testing. Allele origin: somatic. Observed: 6 variant alleles.

Literature cited by the submitters: PubMed 18676761 (cited by Institute for Genomic Medicine (IGM) Clinical Laboratory, Nationwide Children's Hospital); PubMed 15897572 (cited by Institute for Genomic Medicine (IGM) Clinical Laboratory, Nationwide Children's Hospital); PubMed 17686547 (cited by Institute for Genomic Medicine (IGM) Clinical Laboratory, Nationwide Children's Hospital); PubMed 24353160 (cited by Institute for Genomic Medicine (IGM) Clinical Laboratory, Nationwide Children's Hospital); PubMed 19536777 (cited by Institute for Genomic Medicine (IGM) Clinical Laboratory, Nationwide Children's Hospital); PubMed 23371856 (cited by Institute for Genomic Medicine (IGM) Clinical Laboratory, Nationwide Children's Hospital); PubMed 21764376 (cited by Institute for Genomic Medicine (IGM) Clinical Laboratory, Nationwide Children's Hospital); PubMed 16187797 (cited by Laboratory for Molecular Medicine, Mass General Brigham Personalized Medicine).

NM_005228.5(EGFR):c.2300_2308dup (p.Ala767_Val769dup)

Genes: EGFR (epidermal growth factor receptor; plus strand), EGFR-AS1 (EGFR antisense RNA 1; minus strand). Cytogenetic location: 7p11.2.
Variant type: Duplication.
Coding change: c.2300_2308dup on transcript NM_005228.5 (MANE Select); coding-DNA positions 2300 to 2308, 9 bases duplicated (CCAGCGTGG; older notation c.2300_2308dupCCAGCGTGG).
Protein change: p.Ala767_Val769dup.
Molecular consequence: inframe insertion. On other transcripts: non-coding transcript variant (1).
Genome position (GRCh38, 1-based): chr7:55,181,309-55,181,317, CCAGCGTGG duplicated; duplicating any 9 consecutive bases within chr7:55,181,306-55,181,317 gives the same sequence; the c. name uses the placement nearest the transcript's 3' end. VCF-style (leftmost placement, unchanged base first): chr7-55181305-A-ATGGCCAGCG. GRCh37 (hg19) VCF-style: chr7-55248998-A-ATGGCCAGCG.
Other names: NC_000007.13:g.55249010_55249011insCCAGCGTGG; NC_000007.13:g.55249008_55249009insGGCCAGCGT; p.Ala767_Val769dup; NC_000007.13:g.55249007_55249008insTGGCCAGCG; c.2297_2305dupTGGCCAGCG (NM_005228.3); c.2165_2173dup, p.Ala722_Val724dup (NM_001346897.2, NM_001346899.2); c.2300_2308dup, p.Ala767_Val769dup (NM_001346898.2); c.2141_2149dup, p.Ala714_Val716dup (NM_001346900.2); and 2 more.
Identifiers: ClinVar variation 177678 (VCV000177678.6), dbSNP rs727504263, ClinGen allele CA180588.
Genomic context (GRCh38, chr7:55,181,305, plus strand): 5'-TCTGGCCACCATGCGAAGCCACACTGACGTGCCTCTCCCTCCCTCCAGGAAGCCTACGTG[A>ATGGCCAGCG]TGGCCAGCGTGGACAACCCCCACGTGTGCCGCCTGCTGGGCATCTGCCTCACCTCCACCG-3'